The following is an entry in ClinVar:

NM_006765.4(TUSC3):c.255C>T (p.Ser85=)

Gene: TUSC3 (tumor suppressor candidate 3; plus strand). Cytogenetic location: 8p22.
Variant type: single nucleotide variant.
Coding change: c.255C>T on transcript NM_006765.4 (MANE Select); coding-DNA position 255, C replaced by T.
Protein change: p.Ser85=; no amino-acid change (serine 85 retained).
Molecular consequence: synonymous variant. On other transcripts: 5 prime UTR variant (1), non-coding transcript variant (5), intron variant (1).
Genome position (GRCh38, 1-based): chr8:15,623,196, C>T. VCF-style: chr8-15623196-C-T. GRCh37 (hg19) VCF-style: chr8-15480705-C-T.
Other names: c.255C>T, p.Ser85= (NM_001356429.2, NM_001413583.1, NM_001413673.1 and 17 more transcripts); c.87C>T, p.Ser29= (NM_001413669.1, NM_001413671.1, NM_001413672.1); c.195C>T, p.Ser65= (NM_001413670.1); c.-60C>T (NM_001413677.1); c.-79-27501C>T (NM_001413678.1).
Identifiers: ClinVar variation 2078373 (VCV002078373.8), dbSNP rs762542037, ClinGen allele CA4640339.

ClinVar aggregate classification (germline): Likely benign. Review status: criteria provided, multiple submitters, no conflicts (2 of 4 stars). 2 submissions from 2 submitters: Likely benign (2). Last evaluated 2026-03-01.

Conditions:
Intellectual developmental disorder, autosomal recessive 7. Also called: Intellectual disability, autosomal recessive 7. Identifiers: Orphanet 88616, MedGen C1970197, MONDO:0012615, OMIM 611093.

Allele frequency attached by ClinVar (database versions not stated): gnomAD 0.00001; gnomAD exomes 0.00004.
gnomAD v4.1: 55 of 1,613,152 alleles (0.0034%); highest among the groups gnomAD compares: South Asian, 0.059%; no homozygotes.

Submissions (2):

CeGaT Center for Human Genetics Tuebingen
Classification: Likely benign. Last evaluated: 2026-03-01. Review status: criteria provided, single submitter. Criteria: CeGaT Center For Human Genetics Tuebingen Variant Classification Criteria Version 2. Collection method: clinical testing. Allele origin: germline. Affected: yes. Observed: 1 variant allele.
Comment: TUSC3: BP4, BP7

Labcorp Genetics (formerly Invitae), Labcorp
Classification: Likely benign for Intellectual developmental disorder, autosomal recessive 7. Last evaluated: 2025-07-31. Review status: criteria provided, single submitter. Criteria: Invitae Variant Classification Sherloc (09022015). Collection method: clinical testing. Allele origin: germline.